The following is an entry in ClinVar:

NM_000038.6(APC):c.2613A>C (p.Gly871=)

Gene: APC (APC regulator of Wnt signaling pathway; plus strand). Cytogenetic location: 5q22.2.
Variant type: single nucleotide variant.
Coding change: c.2613A>C on transcript NM_000038.6 (MANE Select); coding-DNA position 2613, A replaced by C.
Protein change: p.Gly871=; no amino-acid change (glycine 871 retained).
Molecular consequence: synonymous variant.
Genome position (GRCh38, 1-based): chr5:112,838,207, A>C. VCF-style: chr5-112838207-A-C. GRCh37 (hg19) VCF-style: chr5-112173904-A-C.
Other names: c.2613A>C, p.Gly871= (NM_001127510.3, NM_001354895.2); c.2559A>C, p.Gly853= (NM_001127511.3); c.2667A>C, p.Gly889= (NM_001354896.2); c.2643A>C, p.Gly881= (NM_001354897.2); c.2538A>C, p.Gly846= (NM_001354898.2); c.2529A>C, p.Gly843= (NM_001354899.2); c.2490A>C, p.Gly830= (NM_001354900.2); c.2436A>C, p.Gly812= (NM_001354901.2); and 5 more.
Identifiers: ClinVar variation 215556 (VCV000215556.23), dbSNP rs36046448, ClinGen allele CA337057.

ClinVar aggregate classification (germline): Benign/Likely benign. Review status: criteria provided, multiple submitters, no conflicts (2 of 4 stars). 7 submissions from 7 submitters: Benign (1); Likely benign (6). Last evaluated 2026-01-20.

Conditions:
Hereditary cancer-predisposing syndrome. Also called: Hereditary neoplastic syndrome; Neoplastic Syndromes, Hereditary; Tumor predisposition; Hereditary Cancer Syndrome. Identifiers: Orphanet 140162, MedGen C0027672, MeSH D009386, MONDO:0015356.
Familial adenomatous polyposis 1 (FAP1). Also called: POLYPOSIS, ADENOMATOUS INTESTINAL; FAMILIAL ADENOMATOUS POLYPOSIS 1, ATTENUATED. Identifiers: MedGen C2713442, MONDO:0021056, OMIM 175100. Disease mechanism: loss of function.
Classic or attenuated familial adenomatous polyposis. Identifiers: MedGen CN372698, MONDO:0021057.

Allele frequency attached by ClinVar (database versions not stated): gnomAD exomes below 0.00001; TOPMed below 0.00001; gnomAD 0.00001.

Submissions (7):

Labcorp Genetics (formerly Invitae), Labcorp
Classification: Likely benign for Familial adenomatous polyposis 1. Last evaluated: 2026-01-20. Review status: criteria provided, single submitter. Criteria: Invitae Variant Classification Sherloc (09022015). Collection method: clinical testing. Allele origin: germline.

Quest Diagnostics Nichols Institute San Juan Capistrano
Classification: Likely benign. Last evaluated: 2025-09-18. Review status: criteria provided, single submitter. Criteria: Quest Diagnostics criteria. Collection method: clinical testing. Allele origin: unknown.

All of Us Research Program, National Institutes of Health
Classification: Likely benign for Classic or attenuated familial adenomatous polyposis. Last evaluated: 2024-04-25. Review status: criteria provided, single submitter. Criteria: ACMG Guidelines, 2015. Collection method: clinical testing. Allele origin: germline. Inheritance: Autosomal dominant inheritance. Observed: 2 variant alleles, 2 heterozygotes.
Comment: This study involves interpretation of variants in research participants for the purpose of population health screening. Participant phenotype was not available at the time of variant classification. Additional details can be found in publication PMID: 35346344, PMCID: PMC8962531

Myriad Genetics, Inc.
Classification: Benign for Familial adenomatous polyposis 1. Last evaluated: 2024-03-14. Review status: criteria provided, single submitter. Criteria: Myriad Autosomal Dominant, Autosomal Recessive and X-Linked Classification Criteria (2023). Collection method: clinical testing. Allele origin: unknown.
Comment: This variant is considered benign. This variant is a silent/synonymous amino acid change and it is not expected to impact splicing.

Women's Health and Genetics/Laboratory Corporation of America, LabCorp
Classification: Likely benign. Last evaluated: 2020-04-04. Review status: criteria provided, single submitter. Criteria: LabCorp Variant Classification Summary - May 2015. Collection method: clinical testing. Allele origin: germline.

Color Diagnostics, LLC DBA Color Health
Classification: Likely benign for Hereditary cancer-predisposing syndrome. Last evaluated: 2016-12-13. Review status: criteria provided, single submitter. Criteria: ACMG Guidelines, 2015. Collection method: clinical testing. Allele origin: germline.

Ambry Genetics
Classification: Likely benign for Hereditary cancer-predisposing syndrome. Last evaluated: 2016-09-28. Review status: criteria provided, single submitter. Criteria: Ambry Variant Classification Scheme 2023. Collection method: clinical testing. Allele origin: germline.